The following is an entry in ClinVar:

ClinVar aggregate classification (germline): Conflicting classifications of pathogenicity. Review status: criteria provided, conflicting classifications (1 of 4 stars). 4 submissions from 4 submitters: Uncertain significance (2); Likely benign (1). 1 of the submissions does not count toward it. Last evaluated 2026-01-19.

Conditions:
EDAR-related disorder. Also called: EDAR-related condition.
Hypohidrotic ectodermal dysplasia (HED). Identifiers: Orphanet 238468, MedGen C5848103, MONDO:0016535, HP:0007607.
Inborn genetic diseases. Identifiers: MedGen C0950123, MeSH D030342.
Ectodermal dysplasia 10A, hypohidrotic/hair/nail type, autosomal dominant (ECTD10A). Also called: Ectodermal Dysplasia 3, Anhidrotic. Identifiers: Orphanet 1810, Orphanet 238468, MedGen C3888065, MONDO:0007509, OMIM 129490.
Autosomal recessive hypohidrotic ectodermal dysplasia syndrome. Also called: Autosomal recessive hypohidrotic ectodermal dysplasia. Identifiers: Orphanet 248, MedGen C0406702, MONDO:0016619.

Allele frequency attached by ClinVar (database versions not stated): gnomAD exomes 0.00021 and 0.00010; ExAC 0.00020; gnomAD 0.00014; TOPMed 0.00022.
gnomAD v4.1: 183 of 1,614,088 alleles (0.011%); highest among the groups gnomAD compares: Admixed American, 0.088%; no homozygotes.

Submissions (4):

Labcorp Genetics (formerly Invitae), Labcorp
Classification: Uncertain significance for Ectodermal dysplasia 10A, hypohidrotic/hair/nail type, autosomal dominant; Autosomal recessive hypohidrotic ectodermal dysplasia syndrome. Last evaluated: 2026-01-19. Review status: criteria provided, single submitter. Criteria: Invitae Variant Classification Sherloc (09022015). Collection method: clinical testing. Allele origin: germline.
Comment: This sequence change replaces serine, which is neutral and polar, with leucine, which is neutral and non-polar, at codon 23 of the EDAR protein (p.Ser23Leu). This variant is present in population databases (rs760731007, gnomAD 0.1%). This missense change has been observed in individual(s) with clinical features of EDAR-related conditions (internal data). ClinVar contains an entry for this variant (Variation ID: 330712). Invitae Evidence Modeling of protein sequence and biophysical properties (such as structural, functional, and spatial information, amino acid conservation, physicochemical variation, residue mobility, and thermodynamic stability) indicates that this missense variant is not expected to disrupt EDAR protein function with a negative predictive value of 80%. In summary, the available evidence is currently insufficient to determine the role of this variant in disease. Therefore, it has been classified as a Variant of Uncertain Significance.

Ambry Genetics
Classification: Uncertain significance for Inborn genetic diseases. Last evaluated: 2024-09-12. Review status: criteria provided, single submitter. Criteria: Ambry Variant Classification Scheme 2023. Collection method: clinical testing. Allele origin: germline.

Illumina Laboratory Services, Illumina
Classification: Likely benign for Hypohidrotic ectodermal dysplasia. Last evaluated: 2018-01-13. Review status: criteria provided, single submitter. Criteria: ICSL Variant Classification Criteria 13 December 2019. Collection method: clinical testing. Allele origin: germline.
Comment: This variant was observed in the ICSL laboratory as part of a predisposition screen in an ostensibly healthy population. It had not been previously curated by ICSL or reported in the Human Gene Mutation Database (HGMD: prior to June 1st, 2018), and was therefore a candidate for classification through an automated scoring system. Utilizing variant allele frequency, disease prevalence and penetrance estimates, and inheritance mode, an automated score was calculated to assess if this variant is too frequent to cause the disease. Based on the score and internal cut-off values, a variant classified as likely benign is not then subjected to further curation. The score for this variant resulted in a classification of likely benign for this disease.

PreventionGenetics, part of Exact Sciences
Classification: Uncertain significance for EDAR-related condition. Last evaluated: 2024-01-22. Review status: no assertion criteria provided. Collection method: clinical testing. Allele origin: germline. Not counted in ClinVar's aggregate classification.
Comment: The EDAR c.68C>T variant is predicted to result in the amino acid substitution p.Ser23Leu. To our knowledge, this variant has not been reported in the literature. This variant is reported in 0.11% of alleles in individuals of Latino descent in gnomAD. Although we suspect that this variant may be benign, at this time, the clinical significance of this variant is uncertain due to the absence of conclusive functional and genetic evidence.

NM_022336.4(EDAR):c.68C>T (p.Ser23Leu)

Genes: EDAR (ectodysplasin A receptor; minus strand), RANBP2 (RAN binding protein 2; plus strand). Cytogenetic location: 2q13.
Variant type: single nucleotide variant.
Coding change: c.68C>T on transcript NM_022336.4 (MANE Select); coding-DNA position 68, C replaced by T.
Protein change: p.Ser23Leu; replaces serine 23 with leucine.
Molecular consequence: missense variant.
Genome position (GRCh38, 1-based): chr2:108,930,226, G>A on the plus strand (C>T on the coding strand, the complement: EDAR is on the minus strand). VCF-style: chr2-108930226-G-A. GRCh37 (hg19) VCF-style: chr2-109546682-G-A.
Other names: short protein forms S23L.
Identifiers: ClinVar variation 330712 (VCV000330712.19), dbSNP rs760731007, ClinGen allele CA1825221.